The following is an entry in ClinVar:

NM_001018115.3(FANCD2):c.595C>G (p.Leu199Val)

Genes: FANCD2 (FA complementation group D2; plus strand), LOC107303338 (3p25 FANCD2 Alu-mediated recombination region; plus strand). Cytogenetic location: 3p25.3.
Variant type: single nucleotide variant.
Coding change: c.595C>G on transcript NM_001018115.3 (MANE Select); coding-DNA position 595, C replaced by G.
Protein change: p.Leu199Val; replaces leucine 199 with valine.
Molecular consequence: missense variant.
Genome position (GRCh38, 1-based): chr3:10,039,745, C>G. VCF-style: chr3-10039745-C-G. GRCh37 (hg19) VCF-style: chr3-10081429-C-G.
Other names: c.595C>G, p.Leu199Val (NM_001319984.2, NM_001374253.1, NM_001374254.1 and 2 more transcripts); short protein forms L199V.
Identifiers: ClinVar variation 1481855 (VCV001481855.5), dbSNP rs756336462, ClinGen allele CA70024519.

ClinVar aggregate classification (germline): Uncertain significance. Review status: criteria provided, multiple submitters, no conflicts (2 of 4 stars). 2 submissions from 2 submitters: Uncertain significance (2). Last evaluated 2026-01-12.

Conditions:
Fanconi anemia (FA). Also called: Fanconi's anemia. Identifiers: Orphanet 84, MedGen C0015625, MeSH D005199, MONDO:0019391.

Allele frequency attached by ClinVar (database versions not stated): gnomAD exomes below 0.00001; gnomAD 0.00003 and 0.00004; TOPMed 0.00003.
gnomAD v4.1: 12 of 1,614,004 alleles (0.00074%); highest among the groups gnomAD compares: Admixed American, 0.0017%; no homozygotes.

Submissions (2):

Labcorp Genetics (formerly Invitae), Labcorp
Classification: Uncertain significance for Fanconi anemia. Last evaluated: 2026-01-12. Review status: criteria provided, single submitter. Criteria: Invitae Variant Classification Sherloc (09022015). Collection method: clinical testing. Allele origin: germline.
Comment: This sequence change replaces leucine, which is neutral and non-polar, with valine, which is neutral and non-polar, at codon 199 of the FANCD2 protein (p.Leu199Val). This variant is not present in population databases (gnomAD no frequency). This variant has not been reported in the literature in individuals affected with FANCD2-related conditions. ClinVar contains an entry for this variant (Variation ID: 1481855). Invitae Evidence Modeling of protein sequence and biophysical properties (such as structural, functional, and spatial information, amino acid conservation, physicochemical variation, residue mobility, and thermodynamic stability) indicates that this missense variant is not expected to disrupt FANCD2 protein function with a negative predictive value of 80%. In summary, the available evidence is currently insufficient to determine the role of this variant in disease. Therefore, it has been classified as a Variant of Uncertain Significance.

Blueprint Genetics
Classification: Uncertain significance. Last evaluated: 2022-02-22. Review status: criteria provided, single submitter. Criteria: ACMG Guidelines, 2015. Collection method: clinical testing. Allele origin: germline.